The following is an entry in ClinVar:

NM_001042492.3(NF1):c.4588G>C (p.Ala1530Pro)

Gene: NF1 (neurofibromin 1; plus strand). Cytogenetic location: 17q11.2.
Variant type: single nucleotide variant.
Coding change: c.4588G>C on transcript NM_001042492.3 (MANE Select); coding-DNA position 4588, G replaced by C.
Protein change: p.Ala1530Pro; replaces alanine 1530 with proline.
Molecular consequence: missense variant.
Genome position (GRCh38, 1-based): chr17:31,261,721, G>C. VCF-style: chr17-31261721-G-C. GRCh37 (hg19) VCF-style: chr17-29588739-G-C.
Other names: c.4525G>C, p.Ala1509Pro (NM_000267.4); short protein forms A1509P, A1530P.
Identifiers: ClinVar variation 3634557 (VCV003634557.2).

ClinVar aggregate classification (germline): Uncertain significance (1 of 4 stars; one submission).

Conditions:
Neurofibromatosis, type 1 (NF1). Also called: VON RECKLINGHAUSEN DISEASE; Peripheral type neurofibromatosis; NEUROFIBROMATOSIS, TYPE I, SOMATIC; Neurofibromatosis, type I. Identifiers: Orphanet 636, MedGen C0027831, MONDO:0018975, OMIM 162200. Disease mechanism: loss of function.

Submission:

Labcorp Genetics (formerly Invitae), Labcorp
Classification: Uncertain significance for Neurofibromatosis, type 1. Last evaluated: 2024-02-23. Review status: criteria provided, single submitter. Criteria: Invitae Variant Classification Sherloc (09022015). Collection method: clinical testing. Allele origin: germline.
Comment: This sequence change replaces alanine, which is neutral and non-polar, with proline, which is neutral and non-polar, at codon 1509 of the NF1 protein (p.Ala1509Pro). This variant is not present in population databases (gnomAD no frequency). This variant has not been reported in the literature in individuals affected with NF1-related conditions. Advanced modeling of protein sequence and biophysical properties (such as structural, functional, and spatial information, amino acid conservation, physicochemical variation, residue mobility, and thermodynamic stability) performed at Invitae indicates that this missense variant is expected to disrupt NF1 protein function with a positive predictive value of 95%. In summary, the available evidence is currently insufficient to determine the role of this variant in disease. Therefore, it has been classified as a Variant of Uncertain Significance.